The following is an entry in ClinVar:

NM_144670.6(A2ML1):c.2519C>T (p.Ser840Phe)

Gene: A2ML1 (alpha-2-macroglobulin like 1; plus strand). Cytogenetic location: 12p13.31.
Variant type: single nucleotide variant.
Coding change: c.2519C>T on transcript NM_144670.6 (MANE Select); coding-DNA position 2519, C replaced by T.
Protein change: p.Ser840Phe; replaces serine 840 with phenylalanine.
Molecular consequence: missense variant.
Genome position (GRCh38, 1-based): chr12:8,852,265, C>T. VCF-style: chr12-8852265-C-T. GRCh37 (hg19) VCF-style: chr12-9004861-C-T.
Other names: c.1046C>T, p.Ser349Phe (NM_001282424.3); short protein forms S349F, S840F.
Identifiers: ClinVar variation 3229196 (VCV003229196.1), dbSNP rs960169988, ClinGen allele CA383833667.

ClinVar aggregate classification (germline): Uncertain significance (1 of 4 stars; one submission).

Submission:

Ambry Genetics
Classification: Uncertain significance. Last evaluated: 2024-01-16. Review status: criteria provided, single submitter. Criteria: Ambry Variant Classification Scheme 2023. Collection method: clinical testing. Allele origin: germline.
Comment: The p.S840F variant (also known as c.2519C>T), located in coding exon 20 of the A2ML1 gene, results from a C to T substitution at nucleotide position 2519. The serine at codon 840 is replaced by phenylalanine, an amino acid with highly dissimilar properties. This amino acid position is conserved. In addition, this alteration is predicted to be tolerated by in silico analysis. Since supporting evidence is limited at this time, the clinical significance of this alteration remains unclear.